The following is an entry in ClinVar:

ClinVar aggregate classification (germline): Pathogenic (1 of 4 stars; one submission).

Allele frequency attached by ClinVar (database versions not stated): ExAC 0.00001; gnomAD exomes below 0.00001.

Submission:

Labcorp Genetics (formerly Invitae), Labcorp
Classification: Pathogenic. Last evaluated: 2025-03-03. Review status: criteria provided, single submitter. Criteria: Invitae Variant Classification Sherloc (09022015). Collection method: clinical testing. Allele origin: germline.
Comment: This sequence change creates a premature translational stop signal (p.Gly643Argfs*15) in the ASXL1 gene. While this is not anticipated to result in nonsense mediated decay, it is expected to disrupt the last 899 amino acid(s) of the ASXL1 protein. The frequency data for this variant in the population databases is considered unreliable, as metrics indicate poor data quality at this position in the gnomAD database. This variant has not been reported in the literature in individuals affected with ASXL1-related conditions. ClinVar contains an entry for this variant (Variation ID: 2783188). This variant disrupts a region of the ASXL1 protein in which other variant(s) (p.Glu1400*) have been determined to be pathogenic (PMID: 31969346). This suggests that this is a clinically significant region of the protein, and that variants that disrupt it are likely to be disease-causing. For these reasons, this variant has been classified as Pathogenic.

Literature cited by the submitters: PubMed 31969346.

NM_015338.6(ASXL1):c.1926dup (p.Gly643fs)

Gene: ASXL1 (ASXL transcriptional regulator 1; plus strand). Cytogenetic location: 20q11.21.
Variant type: Duplication.
Coding change: c.1926dup on transcript NM_015338.6 (MANE Select); coding-DNA position 1926, one base duplicated (A; older notation c.1926dupA).
Protein change: p.Gly643fs; shifts the reading frame from glycine 643.
Molecular consequence: frameshift variant.
Genome position (GRCh38, 1-based): chr20:32,434,638, A duplicated. VCF-style (leftmost placement, unchanged base first): chr20-32434637-G-GA. GRCh37 (hg19) VCF-style: chr20-31022440-G-GA.
Other names: c.1743dup, p.Gly582fs (NM_001363734.1); short protein forms G582fs, G643fs.
Identifiers: ClinVar variation 2783188 (VCV002783188.3), dbSNP rs752984377, ClinGen allele CA9808489.